The following is an entry in ClinVar:

ClinVar aggregate classification (germline): Uncertain significance. Review status: criteria provided, multiple submitters, no conflicts (2 of 4 stars). 2 submissions from 2 submitters: Uncertain significance (2). Last evaluated 2022-09-26.

Conditions:
Hereditary myopathy with lactic acidosis due to ISCU deficiency (HML). Also called: MYOPATHY WITH LACTIC ACIDOSIS, HEREDITARY. Identifiers: Orphanet 43115, MedGen C1850718, MONDO:0009706, OMIM 255125.

Allele frequency attached by ClinVar (database versions not stated): gnomAD exomes below 0.00001; gnomAD 0.00001; TOPMed 0.00001; ESP Exome Variant Server 0.00008.
gnomAD v4.1: 6 of 1,612,684 alleles (0.00037%); highest among the groups gnomAD compares: Non-Finnish European, 0.00051%; no homozygotes.

Submissions (2):

Revvity Omics, Revvity
Classification: Uncertain significance for Hereditary myopathy with lactic acidosis due to ISCU deficiency. Last evaluated: 2022-09-26. Review status: criteria provided, single submitter. Criteria: ACMG Guidelines, 2015. Collection method: clinical testing. Allele origin: germline.

Labcorp Genetics (formerly Invitae), Labcorp
Classification: Uncertain significance. Last evaluated: 2022-06-13. Review status: criteria provided, single submitter. Criteria: Invitae Variant Classification Sherloc (09022015). Collection method: clinical testing. Allele origin: germline.
Comment: This sequence change replaces alanine, which is neutral and non-polar, with glycine, which is neutral and non-polar, at codon 105 of the ISCU protein (p.Ala105Gly). This variant is present in population databases (rs145206633, gnomAD 0.0009%). This variant has not been reported in the literature in individuals affected with ISCU-related conditions. Algorithms developed to predict the effect of missense changes on protein structure and function are either unavailable or do not agree on the potential impact of this missense change (SIFT: "Tolerated"; PolyPhen-2: "Possibly Damaging"; Align-GVGD: "Class C0"). In summary, the available evidence is currently insufficient to determine the role of this variant in disease. Therefore, it has been classified as a Variant of Uncertain Significance.

NM_213595.4(ISCU):c.314C>G (p.Ala105Gly)

Gene: ISCU (iron-sulfur cluster assembly enzyme; plus strand). Cytogenetic location: 12q23.3.
Variant type: single nucleotide variant.
Coding change: c.314C>G on transcript NM_213595.4 (MANE Select); coding-DNA position 314, C replaced by G.
Protein change: p.Ala105Gly; replaces alanine 105 with glycine.
Molecular consequence: missense variant. On other transcripts: non-coding transcript variant (1).
Genome position (GRCh38, 1-based): chr12:108,565,406, C>G. VCF-style: chr12-108565406-C-G. GRCh37 (hg19) VCF-style: chr12-108959182-C-G.
Other names: c.314C>G (NM_213595.3); c.314C>G, p.Ala105Gly (NM_001301140.1, NM_001301141.1, NM_001320042.1); c.239C>G, p.Ala80Gly (NM_014301.4); short protein forms A105G, A80G.
Identifiers: ClinVar variation 1908029 (VCV001908029.5), dbSNP rs145206633, ClinGen allele CA243322332.
Genomic context (GRCh38, chr12:108,565,406, plus strand): 5'-TTGTGGATGCTAGGTTTAAAACATTTGGCTGTGGTTCCGCAATTGCCTCCAGCTCATTAG[C>G]CACTGAATGGGTGAAAGGAAAGACGGTAAGGTGGCTCACAAATCTAATGGGTCAAAAACA-3'
Protein context (NP_998760.1, residues 95-115): CGSAIASSSL[Ala105Gly]TEWVKGKTVE